The following is an entry in ClinVar:

ClinVar aggregate classification (germline): Conflicting classifications of pathogenicity. Review status: criteria provided, conflicting classifications (1 of 4 stars). 7 submissions from 7 submitters: Uncertain significance (3); Likely benign (4). Last evaluated 2025-12-22.

Conditions:
Hereditary cancer-predisposing syndrome. Also called: Hereditary Cancer Syndrome; Tumor predisposition; Neoplastic Syndromes, Hereditary; Hereditary neoplastic syndrome. Identifiers: Orphanet 140162, MedGen C0027672, MeSH D009386, MONDO:0015356.
Tuberous sclerosis syndrome (TSC). Also called: Tuberous sclerosis; Tuberous Sclerosis Complex. Identifiers: Orphanet 805, MedGen C0041341, MONDO:0001734.
Tuberous sclerosis 2 (TSC2). Identifiers: Orphanet 805, MedGen C1860707, MONDO:0013199, OMIM 613254.

Allele frequency attached by ClinVar (database versions not stated): gnomAD 0.00001; gnomAD exomes 0.00001; TOPMed 0.00001.
gnomAD v4.1: 5 of 1,610,016 alleles (0.00031%); highest among the groups gnomAD compares: African/African-American, 0.0027%; no homozygotes.

Submissions (7):

Labcorp Genetics (formerly Invitae), Labcorp
Classification: Likely benign for Tuberous sclerosis 2. Last evaluated: 2025-12-22. Review status: criteria provided, single submitter. Criteria: Invitae Variant Classification Sherloc (09022015). Collection method: clinical testing. Allele origin: germline.

Color Diagnostics, LLC DBA Color Health
Classification: Likely benign for Tuberous sclerosis syndrome. Last evaluated: 2025-06-24. Review status: criteria provided, single submitter. Criteria: ACMG Guidelines, 2015. Collection method: clinical testing. Allele origin: germline.

Ambry Genetics
Classification: Uncertain significance for Hereditary cancer-predisposing syndrome. Last evaluated: 2023-11-14. Review status: criteria provided, single submitter. Criteria: Ambry Variant Classification Scheme 2023. Collection method: clinical testing. Allele origin: germline.
Comment: The p.L448V variant (also known as c.1342C>G), located in coding exon 12 of the TSC2 gene, results from a C to G substitution at nucleotide position 1342. The leucine at codon 448 is replaced by valine, an amino acid with highly similar properties. This amino acid position is highly conserved in available vertebrate species. In addition, the in silico prediction for this alteration is inconclusive. Since supporting evidence is limited at this time, the clinical significance of this alteration remains unclear.

All of Us Research Program, National Institutes of Health
Classification: Uncertain significance for Tuberous sclerosis syndrome. Last evaluated: 2023-04-03. Review status: criteria provided, single submitter. Criteria: ACMG Guidelines, 2015. Collection method: clinical testing. Allele origin: germline. Inheritance: Autosomal dominant inheritance. Observed: 1 variant allele, 1 heterozygote.
Comment: This missense variant replaces leucine with valine at codon 448 of the TSC2 protein. Computational prediction suggests that this variant may have deleterious impact on protein structure and function (internally defined REVEL score threshold >= 0.7, PMID: 27666373). To our knowledge, functional studies have not been reported for this variant. This variant has not been reported in individuals affected with tuberous sclerosis complex in the literature. This variant has been identified in 2/243062 chromosomes in the general population by the Genome Aggregation Database (gnomAD). The available evidence is insufficient to determine the role of this variant in disease conclusively. Therefore, this variant is classified as a Variant of Uncertain Significance.

This study involves interpretation of variants in research participants for the purpose of population health screening. Participant phenotype was not available at the time of variant classification. Additional details can be found in publication PMID: 35346344, PMCID: PMC8962531

Genome-Nilou Lab
Classification: Likely benign for Tuberous sclerosis 2. Last evaluated: 2021-11-07. Review status: criteria provided, single submitter. Criteria: ACMG Guidelines, 2015. Collection method: clinical testing. Allele origin: germline. Affected: no.

Sema4
Classification: Uncertain significance for Hereditary cancer-predisposing syndrome. Last evaluated: 2021-04-30. Review status: criteria provided, single submitter. Criteria: Sema4 Curation Guidelines. Collection method: curation. Allele origin: germline.
Comment: The TSC2 c.1342C>G (p.L448V) variant has not been reported in the literature in individuals with TSC2-related disease to our knowledge. This variant was observed in 2/243062 chromosomes from large and broad populations by the Genome Aggregation Database (PMID: 32461654). This variant has been reported in ClinVar (Variation ID: 513426). This variant involves a highly conserved amino acid, and computational analyses do not provide strong support for or against an impact to the protein, though these predictions have not been confirmed by published functional studies. The overall evidence is insufficient to meet ACMG/AMP criteria for classifying it as benign or pathogenic. In summary, the clinical significance of this variant is currently uncertain.

GeneDx
Classification: Likely benign. Last evaluated: 2020-04-28. Review status: criteria provided, single submitter. Criteria: GeneDx Variant Classification Process June 2021. Collection method: clinical testing. Allele origin: germline. Affected: yes.

Literature cited by the submitters: PubMed 31650098 (cited by Sema4).

NM_000548.5(TSC2):c.1342C>G (p.Leu448Val)

Gene: TSC2 (TSC complex subunit 2; plus strand). Cytogenetic location: 16p13.3.
Variant type: single nucleotide variant.
Coding change: c.1342C>G on transcript NM_000548.5 (MANE Select); coding-DNA position 1342, C replaced by G.
Protein change: p.Leu448Val; replaces leucine 448 with valine.
Molecular consequence: missense variant.
Genome position (GRCh38, 1-based): chr16:2,062,581, C>G. VCF-style: chr16-2062581-C-G. GRCh37 (hg19) VCF-style: chr16-2112582-C-G.
Other names: c.1342C>G, p.Leu448Val (NM_001077183.3, NM_001114382.3, NM_001363528.2 and 3 more transcripts); c.1231C>G, p.Leu411Val (NM_001318827.2); c.1195C>G, p.Leu399Val (NM_001318829.2); c.742C>G, p.Leu248Val (NM_001318831.2); c.1375C>G, p.Leu459Val (NM_001318832.2); short protein forms L448V, L399V, L459V, L248V, L411V.
Identifiers: ClinVar variation 513426 (VCV000513426.22), dbSNP rs1413875392, ClinGen allele CA394322581.